The following is an entry in ClinVar:

NM_001294.4(CLPTM1):c.468+5G>A

Gene: CLPTM1 (CLPTM1 regulator of GABA type A receptor forward trafficking; plus strand). Cytogenetic location: 19q13.32.
Variant type: single nucleotide variant.
Coding change: c.468+5G>A on transcript NM_001294.4 (MANE Select); 5 bases into the intron after coding-DNA position 468, G replaced by A.
Molecular consequence: intron variant.
Genome position (GRCh38, 1-based): chr19:44,974,602, G>A. VCF-style: chr19-44974602-G-A. GRCh37 (hg19) VCF-style: chr19-45477859-G-A.
Other names: NC_000019.9:g.45477859G>A; c.162+5G>A (NM_001282176.2); c.426+5G>A (NM_001282175.2).
Identifiers: ClinVar variation 3041029 (VCV003041029.3), dbSNP rs77883165, ClinGen allele CA9506843.
Genomic context (GRCh38, chr19:44,974,602, plus strand): 5'-GCGGCGAGAACTCAGACGGCTGCTACGAGCACTTTGCTGAGCTCGATATCCCACAGGTGG[G>A]GGCAGCTCTCGGTTTCTGGCCCCATGGCTGCTTGACTGGCACTGAAGGACCTTTTCCTCC-3'

ClinVar aggregate classification (germline): Benign (0 of 4 stars; one submission).

Conditions:
CLPTM1-related disorder. Also called: CLPTM1-related condition.

Allele frequency attached by ClinVar (database versions not stated): ESP Exome Variant Server 0.00015; gnomAD exomes 0.00103; TOPMed 0.00130; gnomAD 0.00146; ExAC 0.00253; 1000 Genomes Project 30x 0.00578; 1000 Genomes Project 0.00619.
gnomAD v4.1: 1,757 of 1,612,428 alleles (0.11%); highest among the groups gnomAD compares: East Asian, 3.3%; 32 homozygotes.

Submissions (9):

PreventionGenetics, part of Exact Sciences
Classification: Benign for CLPTM1-related condition. Last evaluated: 2019-03-20. Review status: no assertion criteria provided. Collection method: clinical testing. Allele origin: germline.
Comment: This variant is classified as benign based on ACMG/AMP sequence variant interpretation guidelines (Richards et al. 2015 PMID: 25741868, with internal and published modifications).

Dr. Peter K. Rogan Lab, Western University
No classification provided (evidence only). Condition: Sarcoma. Review status: no classification provided. Collection method: in vitro. Allele origin: not applicable. Functional consequence: skipped exon, retained intron. Not counted in ClinVar's aggregate classification.

Dr. Peter K. Rogan Lab, Western University
No classification provided (evidence only). Condition: Malignant lymphoma, large B-cell, diffuse. Review status: no classification provided. Collection method: in vitro. Allele origin: not applicable. Functional consequence: retained intron. Not counted in ClinVar's aggregate classification.

Dr. Peter K. Rogan Lab, Western University
No classification provided (evidence only). Condition: Ovarian serous cystadenocarcinoma. Review status: no classification provided. Collection method: in vitro. Allele origin: not applicable. Functional consequence: retained intron. Not counted in ClinVar's aggregate classification.

Dr. Peter K. Rogan Lab, Western University
No classification provided (evidence only). Condition: Gastric cancer. Review status: no classification provided. Collection method: in vitro. Allele origin: not applicable. Functional consequence: retained intron. Not counted in ClinVar's aggregate classification.

Dr. Peter K. Rogan Lab, Western University
No classification provided (evidence only). Condition: Gastric cancer. Review status: no classification provided. Collection method: in vitro. Allele origin: not applicable. Functional consequence: retained intron. Not counted in ClinVar's aggregate classification.

Dr. Peter K. Rogan Lab, Western University
No classification provided (evidence only). Condition: Gastric cancer. Review status: no classification provided. Collection method: in vitro. Allele origin: not applicable. Functional consequence: retained intron. Not counted in ClinVar's aggregate classification.

Dr. Peter K. Rogan Lab, Western University
No classification provided (evidence only). Condition: Gastric cancer. Review status: no classification provided. Collection method: in vitro. Allele origin: not applicable. Functional consequence: retained intron. Not counted in ClinVar's aggregate classification.

Dr. Peter K. Rogan Lab, Western University
No classification provided (evidence only). Condition: Malignant tumor of esophagus. Review status: no classification provided. Collection method: in vitro. Allele origin: not applicable. Functional consequence: skipped exon, retained intron. Not counted in ClinVar's aggregate classification.